The following is an entry in ClinVar:

NM_024417.5(FDXR):c.158C>T (p.Thr53Met)

Gene: FDXR (ferredoxin reductase; minus strand). Cytogenetic location: 17q25.1.
Variant type: single nucleotide variant.
Coding change: c.158C>T on transcript NM_024417.5 (MANE Select); coding-DNA position 158, C replaced by T.
Protein change: p.Thr53Met; replaces threonine 53 with methionine.
Molecular consequence: missense variant. On other transcripts: non-coding transcript variant (1).
Genome position (GRCh38, 1-based): chr17:74,872,055, G>A on the plus strand (C>T on the coding strand, the complement: FDXR is on the minus strand). VCF-style: chr17-74872055-G-A. GRCh37 (hg19) VCF-style: chr17-72868180-G-A.
Other names: c.158C>T, p.Thr53Met (NM_001258012.4, NM_001258014.4, NM_001258015.3 and 1 more transcripts); c.251C>T, p.Thr84Met (NM_001258013.4); c.158C>T (NM_024417.4); short protein forms T53M, T84M.
Identifiers: ClinVar variation 3514583 (VCV003514583.4).

ClinVar aggregate classification (germline): Uncertain significance. Review status: criteria provided, multiple submitters, no conflicts (2 of 4 stars). 4 submissions from 4 submitters: Uncertain significance (4). Last evaluated 2025-12-30.

Conditions:
FDXR-related disorder. Also called: FDXR-related condition; FDXR-related disorders.
Inborn genetic diseases. Identifiers: MedGen C0950123, MeSH D030342.
Auditory neuropathy-optic atrophy syndrome. Also called: AUDITORY NEUROPATHY AND OPTIC ATROPHY; MULTIPLE MITOCHONDRIAL DYSFUNCTIONS SYNDROME 9A. Identifiers: Orphanet 542585, MedGen C4521678, MONDO:0060582, OMIM 617717.
Multiple mitochondrial dysfunctions syndrome 9b. Identifiers: MedGen C5935635, MONDO:0971174, OMIM 620887.

gnomAD v4.1: 284 of 1,600,908 alleles (0.018%); highest among the groups gnomAD compares: South Asian, 0.025%; no homozygotes.

Submissions (4):

PreventionGenetics, part of Exact Sciences
Classification: Uncertain significance for FDXR-related condition. Last evaluated: 2025-12-30. Review status: criteria provided, single submitter. Criteria: ACMG Guidelines, 2015. Collection method: clinical testing. Allele origin: germline.
Comment: The FDXR c.158C>T variant is predicted to result in the amino acid substitution p.Thr53Met. To our knowledge, this variant has not been reported in the literature. This variant is reported in 0.051% of alleles in individuals of East Asian descent in gnomAD. At this time, the clinical significance of this variant is uncertain due to the absence of conclusive functional and genetic evidence.

Ambry Genetics
Classification: Uncertain significance for Inborn genetic diseases. Last evaluated: 2024-10-07. Review status: criteria provided, single submitter. Criteria: Ambry Variant Classification Scheme 2023. Collection method: clinical testing. Allele origin: germline.

Blueprint Genetics
Classification: Uncertain significance. Last evaluated: 2023-12-15. Review status: criteria provided, single submitter. Criteria: ACMG Guidelines, 2015. Collection method: clinical testing. Allele origin: germline.

Juno Genomics, Hangzhou Juno Genomics, Inc
Classification: Uncertain significance for Multiple mitochondrial dysfunctions syndrome 9b; Auditory neuropathy-optic atrophy syndrome. Review status: criteria provided, single submitter. Criteria: ACMG Guidelines, 2015. Collection method: clinical testing. Allele origin: germline.
Comment: Absent from controls (or at extremely low frequency if recessive) in Genome Aggregation Database.;Multiple lines of computational evidence support a deleterious effect on the gene or gene product.